The following is an entry in ClinVar:

NM_006516.4(SLC2A1):c.1258A>G (p.Met420Val)

Gene: SLC2A1 (solute carrier family 2 member 1; minus strand). Cytogenetic location: 1p34.2.
Variant type: single nucleotide variant.
Coding change: c.1258A>G on transcript NM_006516.4 (MANE Select); coding-DNA position 1258, A replaced by G.
Protein change: p.Met420Val; replaces methionine 420 with valine.
Molecular consequence: missense variant.
Genome position (GRCh38, 1-based): chr1:42,927,625, T>C on the plus strand (A>G on the coding strand, the complement: SLC2A1 is on the minus strand). VCF-style: chr1-42927625-T-C. GRCh37 (hg19) VCF-style: chr1-43393296-T-C.
Other names: short protein forms M420V.
Identifiers: ClinVar variation 2015012 (VCV002015012.4), dbSNP rs2524984262, ClinGen allele CA339953649.

ClinVar aggregate classification (germline): Pathogenic (1 of 4 stars; one submission).

Conditions:
GLUT1 deficiency syndrome 1, autosomal recessive. Identifiers: MedGen C3149117.

Submission:

Labcorp Genetics (formerly Invitae), Labcorp
Classification: Pathogenic for GLUT1 deficiency syndrome 1, autosomal recessive. Last evaluated: 2024-06-05. Review status: criteria provided, single submitter. Criteria: Invitae Variant Classification Sherloc (09022015). Collection method: clinical testing. Allele origin: germline.
Comment: This sequence change replaces methionine, which is neutral and non-polar, with valine, which is neutral and non-polar, at codon 420 of the SLC2A1 protein (p.Met420Val). This variant is not present in population databases (gnomAD no frequency). This missense change has been observed in individual(s) with clinical features of GLUT1-deficiency syndrome (Invitae). In at least one individual the variant was observed to be de novo. ClinVar contains an entry for this variant (Variation ID: 2015012). Advanced modeling of protein sequence and biophysical properties (such as structural, functional, and spatial information, amino acid conservation, physicochemical variation, residue mobility, and thermodynamic stability) has been performed at Invitae for this missense variant, however the output from this modeling did not meet the statistical confidence thresholds required to predict the impact of this variant on SLC2A1 protein function. This variant disrupts the p.Met420 amino acid residue in SLC2A1. Other variant(s) that disrupt this residue have been determined to be pathogenic (Invitae). This suggests that this residue is clinically significant, and that variants that disrupt this residue are likely to be disease-causing. For these reasons, this variant has been classified as Pathogenic.